The following is an entry in ClinVar:

NM_001378454.1(ALMS1):c.587C>T (p.Thr196Met)

Gene: ALMS1 (ALMS1 centrosome and basal body associated protein; plus strand). Cytogenetic location: 2p13.1.
Variant type: single nucleotide variant.
Coding change: c.587C>T on transcript NM_001378454.1 (MANE Select); coding-DNA position 587, C replaced by T.
Protein change: p.Thr196Met; replaces threonine 196 with methionine.
Molecular consequence: missense variant.
Genome position (GRCh38, 1-based): chr2:73,419,259, C>T. VCF-style: chr2-73419259-C-T. GRCh37 (hg19) VCF-style: chr2-73646387-C-T.
Other names: c.590C>T, p.Thr197Met (NM_015120.4); short protein forms T197M, T196M.
Identifiers: ClinVar variation 459874 (VCV000459874.14), dbSNP rs562345472, ClinGen allele CA1712890.

ClinVar aggregate classification (germline): Uncertain significance. Review status: criteria provided, multiple submitters, no conflicts (2 of 4 stars). 6 submissions from 6 submitters: Uncertain significance (5). 1 of the submissions does not count toward it. Last evaluated 2024-10-22.

Conditions:
Cardiovascular phenotype. Identifiers: MedGen CN230736.
Alstrom syndrome (ALMS). Identifiers: Orphanet 64, MedGen C0268425, MONDO:0008763, OMIM 203800.

Allele frequency attached by ClinVar (database versions not stated): gnomAD exomes 0.00002 and 0.00003; gnomAD 0.00003; ExAC 0.00004; TOPMed 0.00004; 1000 Genomes Project 30x 0.00016; 1000 Genomes Project 0.00020.
gnomAD v4.1: 38 of 1,613,976 alleles (0.0024%); highest among the groups gnomAD compares: East Asian, 0.016%; no homozygotes.

Submissions (6):

Labcorp Genetics (formerly Invitae), Labcorp
Classification: Uncertain significance for Alstrom syndrome. Last evaluated: 2024-10-22. Review status: criteria provided, single submitter. Criteria: Invitae Variant Classification Sherloc (09022015). Collection method: clinical testing. Allele origin: germline.
Comment: This sequence change replaces threonine, which is neutral and polar, with methionine, which is neutral and non-polar, at codon 197 of the ALMS1 protein (p.Thr197Met). This variant is present in population databases (rs562345472, gnomAD 0.02%). This variant has not been reported in the literature in individuals affected with ALMS1-related conditions. ClinVar contains an entry for this variant (Variation ID: 459874). Experimental studies and prediction algorithms are not available or were not evaluated, and the functional significance of this variant is currently unknown. In summary, the available evidence is currently insufficient to determine the role of this variant in disease. Therefore, it has been classified as a Variant of Uncertain Significance.

Ambry Genetics
Classification: Uncertain significance for Cardiovascular phenotype. Last evaluated: 2024-04-18. Review status: criteria provided, single submitter. Criteria: Ambry Variant Classification Scheme 2023. Collection method: clinical testing. Allele origin: germline.
Comment: The p.T197M variant (also known as c.590C>T), located in coding exon 3 of the ALMS1 gene, results from a C to T substitution at nucleotide position 590. The threonine at codon 197 is replaced by methionine, an amino acid with similar properties. This amino acid position is well conserved in available vertebrate species. In addition, this alteration is predicted to be tolerated by in silico analysis. Based on the available evidence, the clinical significance of this variant remains unclear.

Fulgent Genetics
Classification: Uncertain significance for Alstrom syndrome. Last evaluated: 2022-05-17. Review status: criteria provided, single submitter. Criteria: ACMG Guidelines, 2015. Collection method: clinical testing. Allele origin: unknown.

Blueprint Genetics
Classification: Uncertain significance. Last evaluated: 2022-04-29. Review status: criteria provided, single submitter. Criteria: ACMG Guidelines, 2015. Collection method: clinical testing. Allele origin: germline.

New York Genome Center
Classification: Uncertain significance for Alstrom syndrome. Last evaluated: 2021-06-23. Review status: criteria provided, single submitter. Criteria: NYGC Assertion Criteria 2020. Collection method: clinical testing. Allele origin: germline. Observed: 1 heterozygote.

Natera, Inc.
Classification: Uncertain significance for Alstrom syndrome. Last evaluated: 2021-07-19. Review status: no assertion criteria provided. Collection method: clinical testing. Allele origin: germline. Not counted in ClinVar's aggregate classification.